The following is an entry in ClinVar:

ClinVar aggregate classification (germline): Benign (1 of 4 stars; one submission).

Allele frequency attached by ClinVar (database versions not stated): gnomAD 0.18810 and 0.18851; 1000 Genomes Project 30x 0.28857.
gnomAD v4.1: 27,247 of 146,116 alleles (19%); highest among the groups gnomAD compares: African/African-American, 44%; 2,739 homozygotes.

Submission:

GeneDx
Classification: Benign. Last evaluated: 2018-06-18. Review status: criteria provided, single submitter. Criteria: GeneDx Variant Classification (06012015). Collection method: clinical testing. Allele origin: germline. Affected: yes.
Comment: This variant is considered likely benign or benign based on one or more of the following criteria: it is a conservative change, it occurs at a poorly conserved position in the protein, it is predicted to be benign by multiple in silico algorithms, and/or has population frequency not consistent with disease.

NM_001458.5(FLNC):c.7781-290G>A

Genes: FLNC (filamin C; plus strand), FLNC-AS1 (FLNC antisense RNA 1; minus strand). Cytogenetic location: 7q32.1.
Variant type: single nucleotide variant.
Coding change: c.7781-290G>A on transcript NM_001458.5 (MANE Select); 290 bases into the intron before coding-DNA position 7781, G replaced by A.
Molecular consequence: intron variant.
Genome position (GRCh38, 1-based): chr7:128,857,718, G>A. VCF-style: chr7-128857718-G-A. GRCh37 (hg19) VCF-style: chr7-128497772-G-A.
Other names: c.7682-290G>A (NM_001127487.2).
Identifiers: ClinVar variation 668762 (VCV000668762.1), dbSNP rs199875901, ClinGen allele CA15532200.
Genomic context (GRCh38, chr7:128,857,718, plus strand): 5'-AAGCTTCCCCTCTTGAGGCTGTCTGTAGGATGAGTTGGGTGGGTGTTCCTTTGTAAAGTG[G>A]CTCTTACCCTGTGAGTTAGCCTGAGTTCCCAGACAAAGCCTGCAAGGATGAGGGACGCAG-3'